The following is an entry in ClinVar:

NM_000264.5(PTCH1):c.49G>C (p.Gly17Arg)

Genes: PTCH1 (patched 1; minus strand), LOC130002133 (ATAC-STARR-seq lymphoblastoid silent region 20071; plus strand). Cytogenetic location: 9q22.32.
Variant type: single nucleotide variant.
Coding change: c.49G>C on transcript NM_000264.5 (MANE Select); coding-DNA position 49, G replaced by C.
Protein change: p.Gly17Arg; replaces glycine 17 with arginine.
Molecular consequence: missense variant. On other transcripts: non-coding transcript variant (1), intron variant (3).
Genome position (GRCh38, 1-based): chr9:95,508,313, C>G on the plus strand (G>C on the coding strand, the complement: PTCH1 is on the minus strand). VCF-style: chr9-95508313-C-G. GRCh37 (hg19) VCF-style: chr9-98270595-C-G.
Other names: c.49G>C, p.Gly17Arg (NM_001354918.2); c.199-1714G>C (NM_001083603.3); c.4-1714G>C (NM_001083602.3, NM_001354919.2); short protein forms G17R.
Identifiers: ClinVar variation 825354 (VCV000825354.6), dbSNP rs1217844666, ClinGen allele CA374121526.

ClinVar aggregate classification (germline): Conflicting classifications of pathogenicity. Review status: criteria provided, conflicting classifications (1 of 4 stars). 2 submissions from 2 submitters: Uncertain significance (1); Likely benign (1). Last evaluated 2026-07-06.

Conditions:
Hereditary cancer-predisposing syndrome. Also called: Tumor predisposition; Hereditary neoplastic syndrome; Neoplastic Syndromes, Hereditary; Hereditary Cancer Syndrome. Identifiers: Orphanet 140162, MedGen C0027672, MeSH D009386, MONDO:0015356.

Submissions (2):

Ambry Genetics
Classification: Likely benign for Hereditary cancer-predisposing syndrome. Last evaluated: 2026-07-06. Review status: criteria provided, single submitter. Criteria: Ambry Variant Classification Scheme 2023. Collection method: clinical testing. Allele origin: germline.

GeneDx
Classification: Uncertain significance. Last evaluated: 2024-01-21. Review status: criteria provided, single submitter. Criteria: GeneDx Variant Classification Process June 2021. Collection method: clinical testing. Allele origin: germline. Affected: yes.
Comment: Not observed at significant frequency in large population cohorts (gnomAD); In silico analysis supports that this missense variant does not alter protein structure/function; Has not been previously published as pathogenic or benign to our knowledge; This variant is associated with the following publications: (PMID: 31867841)